The following is an entry in ClinVar:

ClinVar aggregate classification (germline): Conflicting classifications of pathogenicity. Review status: criteria provided, conflicting classifications (1 of 4 stars). 2 submissions from 2 submitters: Likely pathogenic (1); Uncertain significance (1). Last evaluated 2025-06-19.

Conditions:
Microphthalmia, syndromic 12 (MCOPS12). Also called: MICROPHTHALMIA WITH OR WITHOUT PULMONARY HYPOPLASIA, DIAPHRAGMATIC HERNIA, AND/OR CARDIAC DEFECTS. Identifiers: Orphanet 2470, Orphanet 689829, MedGen C3809803, MONDO:0014229, OMIM 615524.
RARB-related disorder. Also called: RARB-related condition.

Allele frequency attached by ClinVar (database versions not stated): gnomAD 0.00001; TOPMed 0.00002; gnomAD exomes below 0.00001.
gnomAD v4.1: 2 of 1,609,172 alleles (0.00012%); highest among the groups gnomAD compares: Admixed American, 0.0017%; no homozygotes.

Submissions (2):

Labcorp Genetics (formerly Invitae), Labcorp
Classification: Uncertain significance for Microphthalmia, syndromic 12. Last evaluated: 2025-06-19. Review status: criteria provided, single submitter. Criteria: Invitae Variant Classification Sherloc (09022015). Collection method: clinical testing. Allele origin: germline.
Comment: This sequence change replaces arginine, which is basic and polar, with glutamine, which is neutral and polar, at codon 137 of the RARB protein (p.Arg137Gln). This variant is not present in population databases (gnomAD no frequency). This missense change has been observed in individual(s) with clinical features of RARB-related disorders (PMID: 31816153, 37092537; internal data). This variant is also known as NM_000965.4:c.410G>A (p.Arg144Gln) . ClinVar contains an entry for this variant (Variation ID: 541542). Invitae Evidence Modeling of protein sequence and biophysical properties (such as structural, functional, and spatial information, amino acid conservation, physicochemical variation, residue mobility, and thermodynamic stability) indicates that this missense variant is expected to disrupt RARB protein function with a positive predictive value of 80%. Experimental studies have shown that this missense change affects RARB function (PMID: 31816153). In summary, the available evidence is currently insufficient to determine the role of this variant in disease. Therefore, it has been classified as a Variant of Uncertain Significance.

Blueprint Genetics
Classification: Likely pathogenic for RARB-related disorders. Last evaluated: 2023-10-30. Review status: criteria provided, single submitter. Criteria: ACMG Guidelines, 2015. Collection method: clinical testing. Allele origin: germline. Affected: yes. Observed: 1 variant allele.

Literature cited by the submitters: PubMed 31816153 (cited by Labcorp Genetics (formerly Invitae), Labcorp); PubMed 37092537 (cited by Labcorp Genetics (formerly Invitae), Labcorp).

NM_000965.5(RARB):c.410G>A (p.Arg137Gln)

Gene: RARB (retinoic acid receptor beta; plus strand). Cytogenetic location: 3p24.2.
Variant type: single nucleotide variant.
Coding change: c.410G>A on transcript NM_000965.5 (MANE Select); coding-DNA position 410, G replaced by A.
Protein change: p.Arg137Gln; replaces arginine 137 with glutamine.
Molecular consequence: missense variant. On other transcripts: non-coding transcript variant (2).
Genome position (GRCh38, 1-based): chr3:25,501,285, G>A. VCF-style: chr3-25501285-G-A. GRCh37 (hg19) VCF-style: chr3-25542776-G-A.
Other names: c.431G>A, p.Arg144Gln (NM_001290216.3); c.74G>A, p.Arg25Gln (NM_001290217.2, NM_001290276.2, NM_016152.4); c.263G>A, p.Arg88Gln (NM_001290266.2); c.410G>A, p.Arg137Gln (NM_001290277.1); c.281G>A, p.Arg94Gln (NM_001290300.2); short protein forms R137Q, R25Q, R144Q, R94Q, R88Q.
Identifiers: ClinVar variation 541542 (VCV000541542.7), dbSNP rs1387195672, ClinGen allele CA351957371.